The following is an entry in ClinVar:

NM_002637.4(PHKA1):c.3407T>C (p.Met1136Thr)

Gene: PHKA1 (phosphorylase kinase regulatory subunit alpha 1; minus strand). Cytogenetic location: Xq13.1.
Variant type: single nucleotide variant.
Coding change: c.3407T>C on transcript NM_002637.4 (MANE Select); coding-DNA position 3407, T replaced by C.
Protein change: p.Met1136Thr; replaces methionine 1136 with threonine.
Molecular consequence: missense variant.
Genome position (GRCh38, 1-based): chrX:72,582,489, A>G on the plus strand (T>C on the coding strand, the complement: PHKA1 is on the minus strand). VCF-style: chrX-72582489-A-G. GRCh37 (hg19) VCF-style: chrX-71802339-A-G.
Other names: p.Met1136Thr; c.3368T>C, p.Met1123Thr (NM_001122670.2); c.3191T>C, p.Met1064Thr (NM_001172436.2); short protein forms M1136T, M1123T, M1064T.
Identifiers: ClinVar variation 624428 (VCV000624428.47), dbSNP rs782034813, ClinGen allele CA413581316.

ClinVar aggregate classification (germline): Uncertain significance. Review status: criteria provided, multiple submitters, no conflicts (2 of 4 stars). 3 submissions from 3 submitters: Uncertain significance (3). Last evaluated 2025-08-16.

Conditions:
Glycogen storage disease IXd (GSD9D). Also called: Muscle Phosphorylase Kinase Deficiency; GSD IXd. Identifiers: Orphanet 715, MedGen C1845151, MONDO:0010362, OMIM 300559.

Submissions (3):

Labcorp Genetics (formerly Invitae), Labcorp
Classification: Uncertain significance for Glycogen storage disease IXd. Last evaluated: 2025-08-16. Review status: criteria provided, single submitter. Criteria: Invitae Variant Classification Sherloc (09022015). Collection method: clinical testing. Allele origin: germline.
Comment: This sequence change replaces methionine, which is neutral and non-polar, with threonine, which is neutral and polar, at codon 1136 of the PHKA1 protein (p.Met1136Thr). This variant is present in population databases (no rsID available, gnomAD 0.001%). This variant has not been reported in the literature in individuals affected with PHKA1-related conditions. ClinVar contains an entry for this variant (Variation ID: 624428). An algorithm developed to predict the effect of missense changes on protein structure and function (PolyPhen-2) suggests that this variant is likely to be tolerated. In summary, the available evidence is currently insufficient to determine the role of this variant in disease. Therefore, it has been classified as a Variant of Uncertain Significance.

Mayo Clinic Laboratories, Mayo Clinic
Classification: Uncertain significance. Last evaluated: 2024-11-22. Review status: criteria provided, single submitter. Criteria: ACMG Guidelines, 2015. Collection method: clinical testing. Allele origin: germline. Observed: 1 variant allele.

CeGaT Center for Human Genetics Tuebingen
Classification: Uncertain significance. Last evaluated: 2018-09-01. Review status: criteria provided, single submitter. Criteria: CeGaT Center For Human Genetics Tuebingen Variant Classification Criteria Version 2. Collection method: clinical testing. Allele origin: germline. Affected: yes. Observed: 1 variant allele.